The following is an entry in ClinVar:

NM_004793.4(LONP1):c.902G>A (p.Arg301Gln)

Gene: LONP1 (lon peptidase 1, mitochondrial; minus strand). Cytogenetic location: 19p13.3.
Variant type: single nucleotide variant.
Coding change: c.902G>A on transcript NM_004793.4 (MANE Select); coding-DNA position 902, G replaced by A.
Protein change: p.Arg301Gln; replaces arginine 301 with glutamine.
Molecular consequence: missense variant. On other transcripts: non-coding transcript variant (1).
Genome position (GRCh38, 1-based): chr19:5,708,372, C>T on the plus strand (G>A on the coding strand, the complement: LONP1 is on the minus strand). VCF-style: chr19-5708372-C-T. GRCh37 (hg19) VCF-style: chr19-5708383-C-T.
Other names: c.710G>A, p.Arg237Gln (NM_001276479.2); c.314G>A, p.Arg105Gln (NM_001276480.1); short protein forms R301Q, R105Q, R237Q.
Identifiers: ClinVar variation 2003670 (VCV002003670.5), dbSNP rs2512415208, ClinGen allele CA403536824.

ClinVar aggregate classification (germline): Uncertain significance. Review status: criteria provided, multiple submitters, no conflicts (2 of 4 stars). 2 submissions from 2 submitters: Uncertain significance (2). Last evaluated 2023-12-26.

Submissions (2):

Women's Health and Genetics/Laboratory Corporation of America, LabCorp
Classification: Uncertain significance. Last evaluated: 2023-12-26. Review status: criteria provided, single submitter. Criteria: LabCorp Variant Classification Summary - May 2015. Collection method: clinical testing. Allele origin: germline.
Comment: Variant summary: LONP1 c.902G>A (p.Arg301Gln) results in a conservative amino acid change located in the Lon protease, N-terminal domain (IPR003111) of the encoded protein sequence. Three of five in-silico tools predict a benign effect of the variant on protein function. The variant was absent in 248332 control chromosomes (gnomAD). The available data on variant occurrences in the general population are insufficient to allow any conclusion about variant significance. To our knowledge, no occurrence of c.902G>A in individuals affected with CODAS Syndrome and no experimental evidence demonstrating its impact on protein function have been reported. One submitter has cited clinical-significance assessments for this variant to ClinVar after 2014 and has classified the variant as uncertain significance. Based on the evidence outlined above, the variant was classified as uncertain significance.

Labcorp Genetics (formerly Invitae), Labcorp
Classification: Uncertain significance. Last evaluated: 2022-06-08. Review status: criteria provided, single submitter. Criteria: Invitae Variant Classification Sherloc (09022015). Collection method: clinical testing. Allele origin: germline.
Comment: In summary, the available evidence is currently insufficient to determine the role of this variant in disease. Therefore, it has been classified as a Variant of Uncertain Significance. Algorithms developed to predict the effect of missense changes on protein structure and function are either unavailable or do not agree on the potential impact of this missense change (SIFT: "Deleterious"; PolyPhen-2: "Probably Damaging"; Align-GVGD: "Class C0"). This missense change has been observed in individual(s) with LONP1-related conditions (PMID: 31923470). This variant is not present in population databases (gnomAD no frequency). This sequence change replaces arginine, which is basic and polar, with glutamine, which is neutral and polar, at codon 301 of the LONP1 protein (p.Arg301Gln).

Literature cited by the submitters: PubMed 31923470 (cited by Labcorp Genetics (formerly Invitae), Labcorp).